The following is an entry in ClinVar:

NM_001145860.2(POP1):c.2809G>A (p.Val937Met)

Gene: POP1 (POP1 homolog, ribonuclease P/MRP subunit; plus strand). Cytogenetic location: 8q22.2.
Variant type: single nucleotide variant.
Coding change: c.2809G>A on transcript NM_001145860.2 (MANE Select); coding-DNA position 2809, G replaced by A.
Protein change: p.Val937Met; replaces valine 937 with methionine.
Molecular consequence: missense variant.
Genome position (GRCh38, 1-based): chr8:98,158,005, G>A. VCF-style: chr8-98158005-G-A. GRCh37 (hg19) VCF-style: chr8-99170233-G-A.
Other names: c.2809G>A, p.Val937Met (NM_001145861.2, NM_015029.3); c.2809G>A (NM_015029.2); short protein forms V937M.
Identifiers: ClinVar variation 1385746 (VCV001385746.5), dbSNP rs564022938, ClinGen allele CA4820913.

ClinVar aggregate classification (germline): Uncertain significance. Review status: criteria provided, multiple submitters, no conflicts (2 of 4 stars). 2 submissions from 2 submitters: Uncertain significance (2). Last evaluated 2024-10-07.

Conditions:
Inborn genetic diseases. Identifiers: MedGen C0950123, MeSH D030342.

Allele frequency attached by ClinVar (database versions not stated): gnomAD exomes 0.00002 and 0.00005; ExAC 0.00007; gnomAD 0.00014 and 0.00016; TOPMed 0.00014; 1000 Genomes Project 30x 0.00016; 1000 Genomes Project 0.00020.
gnomAD v4.1: 56 of 1,612,372 alleles (0.0035%); highest among the groups gnomAD compares: African/African-American, 0.04%; no homozygotes.

Submissions (2):

Ambry Genetics
Classification: Uncertain significance for Inborn genetic diseases. Last evaluated: 2024-10-07. Review status: criteria provided, single submitter. Criteria: Ambry Variant Classification Scheme 2023. Collection method: clinical testing. Allele origin: germline.

Labcorp Genetics (formerly Invitae), Labcorp
Classification: Uncertain significance. Last evaluated: 2021-09-24. Review status: criteria provided, single submitter. Criteria: Invitae Variant Classification Sherloc (09022015). Collection method: clinical testing. Allele origin: germline.
Comment: This sequence change replaces valine with methionine at codon 937 of the POP1 protein (p.Val937Met). The valine residue is weakly conserved and there is a small physicochemical difference between valine and methionine. This variant is present in population databases (rs564022938, ExAC 0.06%). This variant has not been reported in the literature in individuals affected with POP1-related conditions. Algorithms developed to predict the effect of missense changes on protein structure and function are either unavailable or do not agree on the potential impact of this missense change (SIFT: "Deleterious"; PolyPhen-2: "Possibly Damaging"; Align-GVGD: "Class C0"). In summary, the available evidence is currently insufficient to determine the role of this variant in disease. Therefore, it has been classified as a Variant of Uncertain Significance.